The following is an entry in ClinVar:

ClinVar aggregate classification (germline): Uncertain significance. Review status: criteria provided, multiple submitters, no conflicts (2 of 4 stars). 3 submissions from 3 submitters: Uncertain significance (3). Last evaluated 2025-12-01.

Conditions:
Cardiovascular phenotype. Identifiers: MedGen CN230736.
Hypertrophic cardiomyopathy. Also called: HYPERTROPHIC MYOCARDIOPATHY. Identifiers: Orphanet 217569, MedGen C0007194, MeSH D002312, MONDO:0005045, HP:0001639.

Submissions (3):

Labcorp Genetics (formerly Invitae), Labcorp
Classification: Uncertain significance for Hypertrophic cardiomyopathy. Last evaluated: 2025-12-01. Review status: criteria provided, single submitter. Criteria: Invitae Variant Classification Sherloc (09022015). Collection method: clinical testing. Allele origin: germline.
Comment: This sequence change replaces alanine, which is neutral and non-polar, with proline, which is neutral and non-polar, at codon 536 of the MYBPC3 protein (p.Ala536Pro). This variant is not present in population databases (gnomAD no frequency). This variant has not been reported in the literature in individuals affected with MYBPC3-related conditions. ClinVar contains an entry for this variant (Variation ID: 1015909). An algorithm developed to predict the effect of missense changes on protein structure and function (PolyPhen-2) suggests that this variant is likely to be disruptive. In summary, the available evidence is currently insufficient to determine the role of this variant in disease. Therefore, it has been classified as a Variant of Uncertain Significance.

Ambry Genetics
Classification: Uncertain significance for Cardiovascular phenotype. Last evaluated: 2024-06-26. Review status: criteria provided, single submitter. Criteria: Ambry Variant Classification Scheme 2023. Collection method: clinical testing. Allele origin: germline.
Comment: The p.A536P variant (also known as c.1606G>C), located in coding exon 17 of the MYBPC3 gene, results from a G to C substitution at nucleotide position 1606. The alanine at codon 536 is replaced by proline, an amino acid with highly similar properties. This amino acid position is conserved. In addition, this alteration is predicted to be deleterious by in silico analysis. Based on the available evidence, the clinical significance of this variant remains unclear.

GeneDx
Classification: Uncertain significance. Last evaluated: 2019-09-19. Review status: criteria provided, single submitter. Criteria: GeneDx Variant Classification Process June 2021. Collection method: clinical testing. Allele origin: germline. Affected: yes.
Comment: Has not been previously published as pathogenic or benign to our knowledge; Not observed in large population cohorts (Lek et al., 2016); In silico analysis, which includes protein predictors and evolutionary conservation, supports a deleterious effect

NM_000256.3(MYBPC3):c.1606G>C (p.Ala536Pro)

Gene: MYBPC3 (myosin binding protein C3; minus strand). Cytogenetic location: 11p11.2.
Variant type: single nucleotide variant.
Coding change: c.1606G>C on transcript NM_000256.3 (MANE Select); coding-DNA position 1606, G replaced by C.
Protein change: p.Ala536Pro; replaces alanine 536 with proline.
Molecular consequence: missense variant.
Genome position (GRCh38, 1-based): chr11:47,342,596, C>G on the plus strand (G>C on the coding strand, the complement: MYBPC3 is on the minus strand). VCF-style: chr11-47342596-C-G. GRCh37 (hg19) VCF-style: chr11-47364147-C-G.
Other names: short protein forms A536P.
Identifiers: ClinVar variation 1015909 (VCV001015909.12), dbSNP rs2095889822, ClinGen allele CA380325018.